The following is an entry in ClinVar:

NM_006017.3(PROM1):c.509G>A (p.Ser170Asn)

Gene: PROM1 (prominin 1; minus strand). Cytogenetic location: 4p15.32.
Variant type: single nucleotide variant.
Coding change: c.509G>A on transcript NM_006017.3 (MANE Select); coding-DNA position 509, G replaced by A.
Protein change: p.Ser170Asn; replaces serine 170 with asparagine.
Molecular consequence: missense variant. On other transcripts: non-coding transcript variant (2).
Genome position (GRCh38, 1-based): chr4:16,033,304, C>T on the plus strand (G>A on the coding strand, the complement: PROM1 is on the minus strand). VCF-style: chr4-16033304-C-T. GRCh37 (hg19) VCF-style: chr4-16034927-C-T.
Other names: c.482G>A, p.Ser161Asn (NM_001441177.1, NM_001441178.1, NM_001145847.2 and 10 more transcripts); c.143G>A, p.Ser48Asn (NM_001441179.1); c.509G>A, p.Ser170Asn (NM_001145849.2, NM_001145850.2); short protein forms S170N, S48N, S161N.
Identifiers: ClinVar variation 4716357 (VCV004716357.1).
Genomic context (GRCh38, chr4:16,033,304, plus strand): 5'-ATGTGAGACACTCTTCATCAGCCTAAAACACAATCAGTTGTTGTCCAATATTGTACTTGC[C>T]TTATTATTATACAAATCACCAACAGGGAGATTGCAAAGCATTTCCTCAGGAAGGGCCCAT-3'
Protein context (NP_006008.1, residues 160-180): ISLLVICIII[Ser170Asn]IGIFYGFVAN

ClinVar aggregate classification (germline): Uncertain significance (1 of 4 stars; one submission).

Submission:

Labcorp Genetics (formerly Invitae), Labcorp
Classification: Uncertain significance. Last evaluated: 2025-03-30. Review status: criteria provided, single submitter. Criteria: Invitae Variant Classification Sherloc (09022015). Collection method: clinical testing. Allele origin: germline.
Comment: This sequence change replaces serine, which is neutral and polar, with asparagine, which is neutral and polar, at codon 170 of the PROM1 protein (p.Ser170Asn). This variant also falls at the last nucleotide of exon 4, which is part of the consensus splice site for this exon. This variant is not present in population databases (gnomAD no frequency). This variant has not been reported in the literature in individuals affected with PROM1-related conditions. An algorithm developed to predict the effect of missense changes on protein structure and function (PolyPhen-2) suggests that this variant is likely to be disruptive. Variants that disrupt the consensus splice site are a relatively common cause of aberrant splicing (PMID: 17576681, 9536098). Algorithms developed to predict the effect of sequence changes on RNA splicing suggest that this variant may disrupt the consensus splice site. In summary, the available evidence is currently insufficient to determine the role of this variant in disease. Therefore, it has been classified as a Variant of Uncertain Significance.

Literature cited by the submitters: PubMed 17576681; PubMed 9536098.